The following is an entry in ClinVar:

ClinVar aggregate classification (germline): Uncertain significance (1 of 4 stars; one submission).

Submission:

Labcorp Genetics (formerly Invitae), Labcorp
Classification: Uncertain significance. Last evaluated: 2025-10-03. Review status: criteria provided, single submitter. Criteria: Invitae Variant Classification Sherloc (09022015). Collection method: clinical testing. Allele origin: germline.
Comment: This sequence change replaces leucine, which is neutral and non-polar, with proline, which is neutral and non-polar, at codon 212 of the LRRC8A protein (p.Leu212Pro). This variant is not present in population databases (gnomAD no frequency). This variant has not been reported in the literature in individuals affected with LRRC8A-related conditions. An algorithm developed to predict the effect of missense changes on protein structure and function (PolyPhen-2) suggests that this variant is likely to be disruptive. In summary, the available evidence is currently insufficient to determine the role of this variant in disease. Therefore, it has been classified as a Variant of Uncertain Significance.

NM_019594.4(LRRC8A):c.635T>C (p.Leu212Pro)

Gene: LRRC8A (leucine rich repeat containing 8 VRAC subunit A; plus strand). Cytogenetic location: 9q34.11.
Variant type: single nucleotide variant.
Coding change: c.635T>C on transcript NM_019594.4 (MANE Select); coding-DNA position 635, T replaced by C.
Protein change: p.Leu212Pro; replaces leucine 212 with proline.
Molecular consequence: missense variant.
Genome position (GRCh38, 1-based): chr9:128,907,799, T>C. VCF-style: chr9-128907799-T-C. GRCh37 (hg19) VCF-style: chr9-131670078-T-C.
Other names: c.635T>C, p.Leu212Pro (NM_001127244.2, NM_001127245.2); short protein forms L212P.
Identifiers: ClinVar variation 4776497 (VCV004776497.1).